The following is an entry in ClinVar:

ClinVar aggregate classification (germline): Uncertain significance (1 of 4 stars; one submission).

Conditions:
Dyskeratosis congenita, autosomal recessive 6 (DKCB6). Identifiers: MedGen C4225356, MONDO:0014600, OMIM 616353.
Pulmonary fibrosis and/or bone marrow failure, Telomere-related, 4. Also called: PULMONARY FIBROSIS AND/OR BONE MARROW FAILURE SYNDROME, TELOMERE-RELATED, 4. Identifiers: Orphanet 2032, MedGen C4225347, MONDO:0014612, OMIM 616371.

Submission:

Labcorp Genetics (formerly Invitae), Labcorp
Classification: Uncertain significance for Dyskeratosis congenita, autosomal recessive 6; Pulmonary fibrosis and/or bone marrow failure, Telomere-related, 4. Last evaluated: 2019-08-02. Review status: criteria provided, single submitter. Criteria: Invitae Variant Classification Sherloc (09022015). Collection method: clinical testing. Allele origin: germline.
Comment: In summary, the available evidence is currently insufficient to determine the role of this variant in disease. Therefore, it has been classified as a Variant of Uncertain Significance. Algorithms developed to predict the effect of missense changes on protein structure and function are either unavailable or do not agree on the potential impact of this missense change (SIFT: "Tolerated"; PolyPhen-2: "Probably Damaging"; Align-GVGD: "Class C0"). This variant has not been reported in the literature in individuals with PARN-related conditions. This variant is not present in population databases (ExAC no frequency). This sequence change replaces lysine with asparagine at codon 243 of the PARN protein (p.Lys243Asn). The lysine residue is highly conserved and there is a moderate physicochemical difference between lysine and asparagine.

NM_002582.4(PARN):c.729A>C (p.Lys243Asn)

Gene: PARN (poly(A)-specific ribonuclease; minus strand). Cytogenetic location: 16p13.12.
Variant type: single nucleotide variant.
Coding change: c.729A>C on transcript NM_002582.4 (MANE Select); coding-DNA position 729, A replaced by C.
Protein change: p.Lys243Asn; replaces lysine 243 with asparagine.
Molecular consequence: missense variant.
Genome position (GRCh38, 1-based): chr16:14,604,200, T>G on the plus strand (A>C on the coding strand, the complement: PARN is on the minus strand). VCF-style: chr16-14604200-T-G. GRCh37 (hg19) VCF-style: chr16-14698057-T-G.
Other names: c.546A>C, p.Lys182Asn (NM_001134477.3); c.591A>C, p.Lys197Asn (NM_001242992.2); short protein forms K243N, K182N, K197N.
Identifiers: ClinVar variation 935530 (VCV000935530.10), dbSNP rs1172901128, ClinGen allele CA394807805.
Genomic context (GRCh38, chr16:14,604,200, plus strand): 5'-AATTACCTGTTCTTTGGCATGTTTCTGCTGCTCTCTTCTTTTGCGTTCTTCTTCATCTAC[T>G]TTGCTGATAACTATATATCGCTCCTTCTAAAAGACATAAAGCAGATATACAATTTTCTTT-3'
Protein context (NP_002573.1, residues 233-253): EKKERYIVIS[Lys243Asn]VDEEERKRRE